The following is an entry in ClinVar:

NM_001853.4(COL9A3):c.1081G>A (p.Gly361Ser)

Gene: COL9A3 (collagen type IX alpha 3 chain; plus strand). Cytogenetic location: 20q13.33.
Variant type: single nucleotide variant.
Coding change: c.1081G>A on transcript NM_001853.4 (MANE Select); coding-DNA position 1081, G replaced by A.
Protein change: p.Gly361Ser; replaces glycine 361 with serine.
Molecular consequence: missense variant.
Genome position (GRCh38, 1-based): chr20:62,829,655, G>A. VCF-style: chr20-62829655-G-A. GRCh37 (hg19) VCF-style: chr20-61461007-G-A.
Other names: c.1081G>A (NM_001853.3); short protein forms G361S.
Identifiers: ClinVar variation 1478284 (VCV001478284.9), dbSNP rs745335790, ClinGen allele CA9949740.

ClinVar aggregate classification (germline): Uncertain significance. Review status: criteria provided, multiple submitters, no conflicts (2 of 4 stars). 2 submissions from 2 submitters: Uncertain significance (2). Last evaluated 2024-03-20.

Conditions:
Inborn genetic diseases. Identifiers: MedGen C0950123, MeSH D030342.

Allele frequency attached by ClinVar (database versions not stated): gnomAD 0.00001; gnomAD exomes 0.00001 and 0.00003; ExAC 0.00007.
gnomAD v4.1: 21 of 1,609,272 alleles (0.0013%); highest among the groups gnomAD compares: East Asian, 0.018%; no homozygotes.

Submissions (2):

Ambry Genetics
Classification: Uncertain significance for Inborn genetic diseases. Last evaluated: 2024-03-20. Review status: criteria provided, single submitter. Criteria: Ambry Variant Classification Scheme 2023. Collection method: clinical testing. Allele origin: germline.

Labcorp Genetics (formerly Invitae), Labcorp
Classification: Uncertain significance. Last evaluated: 2022-08-16. Review status: criteria provided, single submitter. Criteria: Invitae Variant Classification Sherloc (09022015). Collection method: clinical testing. Allele origin: germline.
Comment: Advanced modeling of protein sequence and biophysical properties (such as structural, functional, and spatial information, amino acid conservation, physicochemical variation, residue mobility, and thermodynamic stability) performed at Invitae indicates that this missense variant is expected to disrupt COL9A3 protein function. This sequence change replaces glycine, which is neutral and non-polar, with serine, which is neutral and polar, at codon 361 of the COL9A3 protein (p.Gly361Ser). The frequency data for this variant in the population databases is considered unreliable, as metrics indicate poor data quality at this position in the gnomAD database. This variant has not been reported in the literature in individuals affected with COL9A3-related conditions. ClinVar contains an entry for this variant (Variation ID: 1478284). In summary, the available evidence is currently insufficient to determine the role of this variant in disease. Therefore, it has been classified as a Variant of Uncertain Significance.